The following is an entry in ClinVar:

NM_000298.6(PKLR):c.92C>T (p.Ala31Val)

Gene: PKLR (pyruvate kinase L/R; minus strand). Cytogenetic location: 1q22.
Variant type: single nucleotide variant.
Coding change: c.92C>T on transcript NM_000298.6 (MANE Select); coding-DNA position 92, C replaced by T.
Protein change: p.Ala31Val; replaces alanine 31 with valine.
Molecular consequence: missense variant.
Genome position (GRCh38, 1-based): chr1:155,301,304, G>A on the plus strand (C>T on the coding strand, the complement: PKLR is on the minus strand). VCF-style: chr1-155301304-G-A. GRCh37 (hg19) VCF-style: chr1-155271095-G-A.
Other names: short protein forms A31V.
Identifiers: ClinVar variation 873674 (VCV000873674.25), dbSNP rs150077703, ClinGen allele CA1144505.

ClinVar aggregate classification (germline): Conflicting classifications of pathogenicity. Review status: criteria provided, conflicting classifications (1 of 4 stars). 5 submissions from 5 submitters: Uncertain significance (4); Likely benign (1). Last evaluated 2025-10-26.

Conditions:
Pyruvate kinase deficiency of red cells (CNSHA2). Also called: PK DEFICIENCY; PYRUVATE KINASE DEFICIENCY OF ERYTHROCYTE; Pyruvate kinase deficiency, Amish type. Identifiers: Orphanet 766, MedGen C0340968, MONDO:0009950, OMIM 266200.

Allele frequency attached by ClinVar (database versions not stated): gnomAD exomes 0.00028 and 0.00040; ExAC 0.00031; ESP Exome Variant Server 0.00031; TOPMed 0.00031.
gnomAD v4.1: 479 of 1,613,978 alleles (0.03%); highest among the groups gnomAD compares: Middle Eastern, 0.54%; 1 homozygote.

Submissions (5):

Labcorp Genetics (formerly Invitae), Labcorp
Classification: Likely benign. Last evaluated: 2025-10-26. Review status: criteria provided, single submitter. Criteria: Invitae Variant Classification Sherloc (09022015). Collection method: clinical testing. Allele origin: germline.

ARUP Laboratories, Molecular Genetics and Genomics, ARUP Laboratories
Classification: Uncertain significance. Last evaluated: 2025-07-25. Review status: criteria provided, single submitter. Criteria: ARUP Molecular Germline Variant Investigation Process 2024. Collection method: clinical testing. Allele origin: germline.
Comment: The PKLR c.92C>T; p.Ala31Val variant (rs150077703; ClinVar Variation ID: 873674) has been reported once in an individual with pyruvate kinase deficiency (Bianchi 2020). This variant is found in the general population with an overall allele frequency of 0.04% (107/282,844 alleles, including one homozygote) in the Genome Aggregation Database (v2.1.1). Computational analyses are uncertain whether this variant is neutral or deleterious (REVEL: 0.549). Due to insufficient clinical information and lack of functional data, the clinical significance of this variant is uncertain at this time. References: Bianchi P et al. Genotype-phenotype correlation and molecular heterogeneity in pyruvate kinase deficiency. Am J Hematol. 2020 May. PMID: 32043619.

Mayo Clinic Laboratories, Mayo Clinic
Classification: Uncertain significance. Last evaluated: 2025-06-05. Review status: criteria provided, single submitter. Criteria: ACMG Guidelines, 2015. Collection method: clinical testing. Allele origin: germline. Observed: 14 variant alleles.

Revvity Omics, Revvity
Classification: Uncertain significance. Last evaluated: 2024-07-12. Review status: criteria provided, single submitter. Criteria: ACMG Guidelines, 2015. Collection method: clinical testing. Allele origin: germline.

Illumina Laboratory Services, Illumina
Classification: Uncertain significance for Pyruvate kinase deficiency of red cells. Last evaluated: 2017-04-27. Review status: criteria provided, single submitter. Criteria: ICSL Variant Classification Criteria 13 December 2019. Collection method: clinical testing. Allele origin: germline.
Comment: This variant was observed as part of a predisposition screen in an ostensibly healthy population. A literature search was performed for the gene, cDNA change, and amino acid change (where applicable). Publications were found based on this search. However, the evidence from the literature, in combination with allele frequency data from public databases where available, was not sufficient to rule this variant in or out of causing disease. Therefore, this variant is classified as a variant of unknown significance.

Literature cited by the submitters: PubMed 21833022 (cited by Illumina Laboratory Services, Illumina); PubMed 26832193 (cited by Illumina Laboratory Services, Illumina).